The following is an entry in ClinVar:

NM_007129.5(ZIC2):c.51C>T (p.Phe17=)

Gene: ZIC2 (Zic family zinc finger 2; plus strand). Cytogenetic location: 13q32.3.
Variant type: single nucleotide variant.
Coding change: c.51C>T on transcript NM_007129.5 (MANE Select); coding-DNA position 51, C replaced by T.
Protein change: p.Phe17=; no amino-acid change (phenylalanine 17 retained).
Molecular consequence: synonymous variant.
Genome position (GRCh38, 1-based): chr13:99,982,115, C>T. VCF-style: chr13-99982115-C-T. GRCh37 (hg19) VCF-style: chr13-100634369-C-T.
Identifiers: ClinVar variation 3038282 (VCV003038282.4), dbSNP rs758647169, ClinGen allele CA7032769.
Genomic context (GRCh38, chr13:99,982,115, plus strand): 5'-CGCGCTGGCCATGCTCCTGGACGCGGGTCCGCAGTTCCCGGCCATCGGGGTGGGCAGCTT[C>T]GCGCGCCACCATCACCACTCCGCCGCGGCGGCGGCGGCGGCTGCCGCCGAGATGCAGGAC-3'
Protein context (NP_009060.2, residues 7-27): PQFPAIGVGS[Phe17=]ARHHHHSAAA

ClinVar aggregate classification (germline): Likely benign. Review status: criteria provided, single submitter (1 of 4 stars). 2 submissions from 2 submitters: Likely benign (1). 1 of the submissions does not count toward it. Last evaluated 2025-05-05.

Conditions:
ZIC2-related disorder. Also called: ZIC2-related condition.
Holoprosencephaly 5 (HPE5). Identifiers: Orphanet 2162, MedGen C1864827, MONDO:0012322, OMIM 609637.

Allele frequency attached by ClinVar (database versions not stated): gnomAD 0.00004; TOPMed 0.00004.

Submissions (2):

Labcorp Genetics (formerly Invitae), Labcorp
Classification: Likely benign for Holoprosencephaly 5. Last evaluated: 2025-05-05. Review status: criteria provided, single submitter. Criteria: Invitae Variant Classification Sherloc (09022015). Collection method: clinical testing. Allele origin: germline.

PreventionGenetics, part of Exact Sciences
Classification: Likely benign for ZIC2-related condition. Last evaluated: 2019-05-01. Review status: no assertion criteria provided. Collection method: clinical testing. Allele origin: germline. Not counted in ClinVar's aggregate classification.
Comment: This variant is classified as likely benign based on ACMG/AMP sequence variant interpretation guidelines (Richards et al. 2015 PMID: 25741868, with internal and published modifications).